The following is an entry in ClinVar:

NM_001048174.2(MUTYH):c.47C>A (p.Ala16Glu)

Gene: MUTYH (mutY DNA glycosylase; minus strand). Cytogenetic location: 1p34.1.
Variant type: single nucleotide variant.
Coding change: c.47C>A on transcript NM_001048174.2 (MANE Select); coding-DNA position 47, C replaced by A.
Protein change: p.Ala16Glu; replaces alanine 16 with glutamic acid.
Molecular consequence: missense variant. On other transcripts: 5 prime UTR variant (7), non-coding transcript variant (7).
Genome position (GRCh38, 1-based): chr1:45,334,459, G>T on the plus strand (C>A on the coding strand, the complement: MUTYH is on the minus strand). VCF-style: chr1-45334459-G-T. GRCh37 (hg19) VCF-style: chr1-45800131-G-T.
Other names: c.47C>A, p.Ala16Glu (NM_001048171.2, NM_001048172.2, NM_001048173.2 and 15 more transcripts); c.89C>A, p.Ala30Glu (NM_001128425.2, NM_001293190.2, NM_001407069.1 and 2 more transcripts); c.-166C>A (NM_001293192.2, NM_001293196.2, NM_001407091.1); c.-225C>A (NM_001350650.2); c.-161C>A (NM_001350651.2, NM_001407082.1); c.-110C>A (NM_001407075.1); c.65C>A, p.Ala22Glu (NM_001407087.1); short protein forms A30E, A16E, A22E.
Identifiers: ClinVar variation 4113895 (VCV004113895.1).

ClinVar aggregate classification (germline): Uncertain significance (1 of 4 stars; one submission).

Conditions:
Hereditary cancer-predisposing syndrome. Also called: Hereditary neoplastic syndrome; Neoplastic Syndromes, Hereditary; Tumor predisposition; Hereditary Cancer Syndrome. Identifiers: Orphanet 140162, MedGen C0027672, MeSH D009386, MONDO:0015356.

Submission:

Ambry Genetics
Classification: Uncertain significance for Hereditary cancer-predisposing syndrome. Last evaluated: 2025-08-27. Review status: criteria provided, single submitter. Criteria: Ambry Variant Classification Scheme 2023. Collection method: clinical testing. Allele origin: germline.
Comment: The p.A30E variant (also known as c.89C>A), located in coding exon 2 of the MUTYH gene, results from a C to A substitution at nucleotide position 89. The alanine at codon 30 is replaced by glutamic acid, an amino acid with dissimilar properties. This amino acid position is conserved. In addition, this alteration is predicted to be tolerated by in silico analysis. Based on the available evidence, the clinical significance of this variant remains unclear.